The following is an entry in ClinVar:

NM_058172.6(ANTXR2):c.*785T>C

Gene: ANTXR2 (ANTXR cell adhesion molecule 2; minus strand). Cytogenetic location: 4q21.21.
Variant type: single nucleotide variant.
Coding change: c.*785T>C on transcript NM_058172.6 (MANE Select); 785 bases downstream of the stop codon, T replaced by C.
Molecular consequence: 3 prime UTR variant.
Genome position (GRCh38, 1-based): chr4:79,906,644, A>G on the plus strand (T>C on the coding strand, the complement: ANTXR2 is on the minus strand). VCF-style: chr4-79906644-A-G. GRCh37 (hg19) VCF-style: chr4-80827798-A-G.
Other names: c.*785T>C (NM_001286780.2, NM_001286781.2).
Identifiers: ClinVar variation 906995 (VCV000906995.5), dbSNP rs63539261, ClinGen allele CA11832060.

ClinVar aggregate classification (germline): Benign. Review status: criteria provided, multiple submitters, no conflicts (2 of 4 stars). 2 submissions from 2 submitters: Benign (2). Last evaluated 2018-01-13.

Conditions:
Hyaline fibromatosis syndrome (HFS). Also called: Hyalinosis, Inherited Systemic; HYALINOSIS, SYSTEMIC. Identifiers: Orphanet 2028, Orphanet 498474, MedGen C5574677, MONDO:0009229, OMIM 228600.

Allele frequency attached by ClinVar (database versions not stated): gnomAD exomes 0.73556; gnomAD 0.80416 and 0.81041; TOPMed 0.81644; 1000 Genomes Project 30x 0.84432; 1000 Genomes Project 0.84924.
gnomAD v4.1: 123,280 of 152,154 alleles (81%); highest among the groups gnomAD compares: East Asian, 100%; 50,143 homozygotes.

Submissions (2):

Illumina Laboratory Services, Illumina
Classification: Benign for Hyaline fibromatosis syndrome. Last evaluated: 2018-01-13. Review status: criteria provided, single submitter. Criteria: ICSL Variant Classification Criteria 13 December 2019. Collection method: clinical testing. Allele origin: germline.
Comment: This variant was observed in the ICSL laboratory as part of a predisposition screen in an ostensibly healthy population. It had not been previously curated by ICSL or reported in the Human Gene Mutation Database (HGMD: prior to June 1st, 2018), and was therefore a candidate for classification through an automated scoring system. Utilizing variant allele frequency, disease prevalence and penetrance estimates, and inheritance mode, an automated score was calculated to assess if this variant is too frequent to cause the disease. Based on the score and internal cut-off values, a variant classified as benign is not then subjected to further curation. The score for this variant resulted in a classification of benign for this disease.

Breakthrough Genomics
Classification: Benign. Review status: criteria provided, single submitter. Criteria: ACMG Guidelines, 2015. Collection method: not provided. Allele origin: germline. Inheritance: Autosomal recessive inheritance. Affected: yes.